The following is an entry in ClinVar:

ClinVar aggregate classification (germline): Conflicting classifications of pathogenicity. Review status: criteria provided, conflicting classifications (1 of 4 stars). 10 submissions from 10 submitters: Uncertain significance (2); Likely benign (6). 2 of the submissions do not count toward it. Last evaluated 2026-01-20.

Conditions:
Hermansky-Pudlak syndrome 1 (HPS1). Also called: DELTA STORAGE POOL DISEASE. Identifiers: Orphanet 231500, Orphanet 79430, MedGen C2931875, MONDO:0008748, OMIM 203300.
HPS1-related disorder. Also called: HPS1-related condition.
Inborn genetic diseases. Identifiers: MedGen C0950123, MeSH D030342.
Hermansky-Pudlak syndrome (HPS). Also called: ALBINISM WITH HEMORRHAGIC DIATHESIS AND PIGMENTED RETICULOENDOTHELIAL CELLS. Identifiers: Orphanet 79430, MedGen C0079504, MONDO:0019312.

Allele frequency attached by ClinVar (database versions not stated): gnomAD exomes 0.00012 and 0.00035; ExAC 0.00044; gnomAD 0.00127 and 0.00133; TOPMed 0.00146; ESP Exome Variant Server 0.00200; 1000 Genomes Project 0.00220; 1000 Genomes Project 30x 0.00234.
gnomAD v4.1: 368 of 1,613,736 alleles (0.023%); highest among the groups gnomAD compares: African/African-American, 0.43%; no homozygotes.

Submissions (10):

Labcorp Genetics (formerly Invitae), Labcorp
Classification: Likely benign. Last evaluated: 2026-01-20. Review status: criteria provided, single submitter. Criteria: Invitae Variant Classification Sherloc (09022015). Collection method: clinical testing. Allele origin: germline.

Blueprint Genetics
Classification: Likely benign. Last evaluated: 2024-02-20. Review status: criteria provided, single submitter. Criteria: ACMG Guidelines, 2015. Collection method: clinical testing. Allele origin: germline.

GeneDx
Classification: Uncertain significance. Last evaluated: 2023-11-30. Review status: criteria provided, single submitter. Criteria: GeneDx Variant Classification Process June 2021. Collection method: clinical testing. Allele origin: germline. Affected: yes.
Comment: In silico analysis supports that this missense variant does not alter protein structure/function; Has not been previously published in association with HPS1-related Hermansky-Pudlak syndrome to our knowledge; This variant is associated with the following publications: (PMID: 28719003)

Women's Health and Genetics/Laboratory Corporation of America, LabCorp
Classification: Likely benign. Last evaluated: 2023-02-23. Review status: criteria provided, single submitter. Criteria: LabCorp Variant Classification Summary - May 2015. Collection method: clinical testing. Allele origin: germline.
Comment: Variant summary: HPS1 c.1406A>G (p.Gln469Arg) results in a conservative amino acid change in the encoded protein sequence. Five of five in-silico tools predict a benign effect of the variant on protein function. The variant allele was found at a frequency of 0.00035 in 250958 control chromosomes, predominantly at a frequency of 0.0048 within the African or African-American subpopulation in the gnomAD database. The observed variant frequency within African or African-American control individuals in the gnomAD database is approximately 5-fold of the estimated maximal expected allele frequency for a pathogenic variant in HPS1 causing Hermansky-Pudlak Syndrome phenotype (0.00096), strongly suggesting that the variant is a benign polymorphism found primarily in populations of African or African-American origin. To our knowledge, no occurrence of c.1406A>G in individuals affected with Hermansky-Pudlak Syndrome and no experimental evidence demonstrating its impact on protein function have been reported. Five ClinVar submitters (evaluation after 2014) have cited the variant, with four submitters classifying the variant as likely benign and one submitter classifying the variant as uncertain significance. Based on the evidence outlined above, the variant was classified as likely benign.

Fulgent Genetics
Classification: Likely benign for Hermansky-Pudlak syndrome 1. Last evaluated: 2021-11-22. Review status: criteria provided, single submitter. Criteria: ACMG Guidelines, 2015. Collection method: clinical testing. Allele origin: unknown.

Ambry Genetics
Classification: Uncertain significance for Inborn genetic diseases. Last evaluated: 2021-10-27. Review status: criteria provided, single submitter. Criteria: Ambry Variant Classification Scheme 2023. Collection method: clinical testing. Allele origin: germline.

Genetic Services Laboratory, University of Chicago
Classification: Likely benign. Last evaluated: 2019-12-02. Review status: criteria provided, single submitter. Criteria: ACMG Guidelines, 2015. Collection method: clinical testing. Allele origin: germline. Affected: no.

Breakthrough Genomics
Classification: Likely benign. Review status: criteria provided, single submitter. Criteria: ACMG Guidelines, 2015. Collection method: not provided. Allele origin: germline. Inheritance: Autosomal recessive inheritance. Affected: yes.

PreventionGenetics, part of Exact Sciences
Classification: Likely benign for HPS1-related condition. Last evaluated: 2021-04-26. Review status: no assertion criteria provided. Collection method: clinical testing. Allele origin: germline. Not counted in ClinVar's aggregate classification.
Comment: This variant is classified as likely benign based on ACMG/AMP sequence variant interpretation guidelines (Richards et al. 2015 PMID: 25741868, with internal and published modifications).

Natera, Inc.
Classification: Likely benign for Hermansky-Pudlak syndrome. Last evaluated: 2020-09-16. Review status: no assertion criteria provided. Collection method: clinical testing. Allele origin: germline. Not counted in ClinVar's aggregate classification.

NM_000195.5(HPS1):c.1406A>G (p.Gln469Arg)

Gene: HPS1 (HPS1 biogenesis of lysosomal organelles complex 3 subunit 1; minus strand). Cytogenetic location: 10q24.2.
Variant type: single nucleotide variant.
Coding change: c.1406A>G on transcript NM_000195.5 (MANE Select); coding-DNA position 1406, A replaced by G.
Protein change: p.Gln469Arg; replaces glutamine 469 with arginine.
Molecular consequence: missense variant.
Genome position (GRCh38, 1-based): chr10:98,423,879, T>C on the plus strand (A>G on the coding strand, the complement: HPS1 is on the minus strand). VCF-style: chr10-98423879-T-C. GRCh37 (hg19) VCF-style: chr10-100183636-T-C.
Other names: c.434A>G, p.Gln145Arg (NM_001311345.2, NM_001322487.2, NM_001322489.2); c.1406A>G, p.Gln469Arg (NM_001322476.2, NM_001322477.2); c.1307A>G, p.Gln436Arg (NM_001322478.2, NM_001322479.2); c.1145A>G, p.Gln382Arg (NM_001322480.2, NM_001322481.2); c.1046A>G, p.Gln349Arg (NM_001322482.2); c.1037A>G, p.Gln346Arg (NM_001322483.2, NM_001322484.2); c.938A>G, p.Gln313Arg (NM_001322485.2); c.1406A>G (NM_000195.3); short protein forms Q145R, Q469R, Q313R, Q346R, Q349R, Q382R, Q436R.
Identifiers: ClinVar variation 716161 (VCV000716161.24), dbSNP rs148978269, ClinGen allele CA5639029.